The following is an entry in ClinVar:

ClinVar aggregate classification (germline): Pathogenic (1 of 4 stars; one submission).

Conditions:
Familial adenomatous polyposis 1 (FAP1). Also called: FAMILIAL ADENOMATOUS POLYPOSIS 1, ATTENUATED; POLYPOSIS, ADENOMATOUS INTESTINAL. Identifiers: MedGen C2713442, MONDO:0021056, OMIM 175100. Disease mechanism: loss of function.

Submission:

Myriad Genetics, Inc.
Classification: Pathogenic for Familial adenomatous polyposis 1. Last evaluated: 2023-05-05. Review status: criteria provided, single submitter. Criteria: Myriad Autosomal Dominant, Autosomal Recessive and X-Linked Classification Criteria (2023). Collection method: clinical testing. Allele origin: unknown.
Comment: This variant is considered pathogenic. This variant creates a frameshift predicted to result in premature protein truncation.

NM_000038.6(APC):c.2851del (p.Tyr951fs)

Gene: APC (APC regulator of Wnt signaling pathway; plus strand). Cytogenetic location: 5q22.2.
Variant type: Deletion.
Coding change: c.2851del on transcript NM_000038.6 (MANE Select); coding-DNA position 2851, one base deleted (T; older notation c.2851delT).
Protein change: p.Tyr951fs; shifts the reading frame from tyrosine 951.
Molecular consequence: frameshift variant. On other transcripts: non-coding transcript variant (2).
Genome position (GRCh38, 1-based): chr5:112,838,445, T deleted; the last of 2 consecutive T bases (chr5:112,838,444-112,838,445); deleting either gives the same sequence. VCF-style (leftmost placement, unchanged base first): chr5-112838443-CT-C. GRCh37 (hg19) VCF-style: chr5-112174140-CT-C.
Other names: c.2851del, p.Tyr951fs (NM_001127510.3, NM_001354895.2, NM_001407450.1); c.2797del, p.Tyr933fs (NM_001127511.3); c.2905del, p.Tyr969fs (NM_001354896.2, NM_001407447.1, NM_001407448.1 and 1 more transcripts); c.2881del, p.Tyr961fs (NM_001354897.2); c.2776del, p.Tyr926fs (NM_001354898.2); c.2767del, p.Tyr923fs (NM_001354899.2); c.2728del, p.Tyr910fs (NM_001354900.2); c.2674del, p.Tyr892fs (NM_001354901.2, NM_001407453.1); and 11 more; short protein forms Y567fs, Y668fs, Y791fs, Y822fs, Y825fs, Y850fs, Y860fs, Y868fs.
Identifiers: ClinVar variation 2584317 (VCV002584317.2), dbSNP rs2533454520, ClinGen allele CA2582341436.
Genomic context (GRCh38, chr5:112,838,443, plus strand): 5'-CACATTCAAACACTTACAATTTCACTAAGTCGGAAAATTCAAATAGGACATGTTCTATGC[CT>C]TATGCCAAATTAGAATACAAGAGATCTTCAAATGATAGTTTAAATAGTGTCAGTAGTAGT-3'